The following is an entry in ClinVar:

ClinVar aggregate classification (germline): Uncertain significance (1 of 4 stars; one submission).

Submission:

Labcorp Genetics (formerly Invitae), Labcorp
Classification: Uncertain significance. Last evaluated: 2024-01-24. Review status: criteria provided, single submitter. Criteria: Invitae Variant Classification Sherloc (09022015). Collection method: clinical testing. Allele origin: germline.
Comment: This sequence change replaces valine, which is neutral and non-polar, with leucine, which is neutral and non-polar, at codon 1540 of the CDK5RAP2 protein (p.Val1540Leu). This variant is not present in population databases (gnomAD no frequency). This variant has not been reported in the literature in individuals affected with CDK5RAP2-related conditions. ClinVar contains an entry for this variant (Variation ID: 2016686). Algorithms developed to predict the effect of missense changes on protein structure and function output the following: SIFT: "Not Available"; PolyPhen-2: "Benign"; Align-GVGD: "Not Available". The leucine amino acid residue is found in multiple mammalian species, which suggests that this missense change does not adversely affect protein function. In summary, the available evidence is currently insufficient to determine the role of this variant in disease. Therefore, it has been classified as a Variant of Uncertain Significance.

NM_018249.6(CDK5RAP2):c.4618G>T (p.Val1540Leu)

Gene: CDK5RAP2 (CDK5 regulatory subunit associated protein 2; minus strand). Cytogenetic location: 9q33.2.
Variant type: single nucleotide variant.
Coding change: c.4618G>T on transcript NM_018249.6 (MANE Select); coding-DNA position 4618, G replaced by T.
Protein change: p.Val1540Leu; replaces valine 1540 with leucine.
Molecular consequence: missense variant. On other transcripts: non-coding transcript variant (5).
Genome position (GRCh38, 1-based): chr9:120,408,455, C>A on the plus strand (G>T on the coding strand, the complement: CDK5RAP2 is on the minus strand). VCF-style: chr9-120408455-C-A. GRCh37 (hg19) VCF-style: chr9-123170733-C-A.
Other names: c.4618G>T, p.Val1540Leu (NM_001011649.3); c.3928G>T, p.Val1310Leu (NM_001272039.2); c.4519G>T, p.Val1507Leu (NM_001410992.1); c.4522G>T, p.Val1508Leu (NM_001410993.1); c.4615G>T, p.Val1539Leu (NM_001410994.1); short protein forms V1508L, V1539L, V1310L, V1507L, V1540L.
Identifiers: ClinVar variation 2016686 (VCV002016686.4), dbSNP rs4837768, ClinGen allele CA374713911.